The following is an entry in ClinVar:

NM_006648.4(WNK2):c.28G>A (p.Val10Ile)

Gene: WNK2 (WNK lysine deficient protein kinase 2; plus strand). Cytogenetic location: 9q22.31.
Variant type: single nucleotide variant.
Coding change: c.28G>A on transcript NM_006648.4 (MANE Select); coding-DNA position 28, G replaced by A.
Protein change: p.Val10Ile; replaces valine 10 with isoleucine.
Molecular consequence: missense variant.
Genome position (GRCh38, 1-based): chr9:93,184,957, G>A. VCF-style: chr9-93184957-G-A. GRCh37 (hg19) VCF-style: chr9-95947239-G-A.
Other names: c.28G>A, p.Val10Ile (NM_001282394.3); short protein forms V10I.
Identifiers: ClinVar variation 5031894 (VCV005031894.1).

ClinVar aggregate classification (germline): Uncertain significance (1 of 4 stars; one submission).

gnomAD v4.1: 1 of 1,231,238 alleles (0.000081%); highest among the groups gnomAD compares: Non-Finnish European, 0.0001%; no homozygotes.

Submission:

Ambry Genetics
Classification: Uncertain significance. Last evaluated: 2026-08-01. Review status: criteria provided, single submitter. Criteria: Ambry Variant Classification Scheme 2023. Collection method: clinical testing. Allele origin: germline.
Comment: The p.V10I variant (also known as c.28G>A), located in coding exon 1 of the WNK2 gene, results from a G to A substitution at nucleotide position 28. The valine at codon 10 is replaced by isoleucine, an amino acid with highly similar properties. This amino acid position is conserved. In addition, this alteration is predicted to be tolerated by in silico analysis. Based on the available evidence, the clinical significance of this variant remains unclear.